The following is an entry in ClinVar:

ClinVar aggregate classification (germline): Pathogenic/Likely pathogenic. Review status: criteria provided, multiple submitters, no conflicts (2 of 4 stars). 7 submissions from 7 submitters: Pathogenic (5); Likely pathogenic (1). 1 of the submissions does not count toward it. Last evaluated 2026-07-01.

Conditions:
Glycogen storage disease, type II (IOPD). Also called: GLYCOGENOSIS, GENERALIZED, CARDIAC FORM; GSD II; Glycogen storage disease type 2; Acid maltase deficiency disease; Aglucosidase alfa; Deficiency of alpha-glucosidase. Identifiers: Orphanet 365, MedGen C0017921, MONDO:0009290, OMIM 232300.

Submissions (7):

Genomenon, Inc
Classification: Pathogenic for Glycogen storage disease, type II. Last evaluated: 2026-07-01. Review status: criteria provided, single submitter. Criteria: Genomenon Sequence Variant Interpretation Standards - Updated. Collection method: curation. Allele origin: germline. Affected: yes.
Comment: GAA p.Asn675del (c.2024_2026del) is an in-frame deletion that results in the loss of Asparagine at codon 675. This variant has been observed in at least one proband with a GAA-related disorder in the compound heterozygous and/or homozygous state (PMID:39213226;38715621;37542277;36137614;32711049;32014045;31510962;28394184;16857770;24269976). At least one functional study has demonstrated a substantial alteration in protein function relative to the wild-type (PMID:33073026;19862843). It is absent or not present at a significant frequency in gnomAD. In conclusion, we classify GAA p.Asn675del (c.2024_2026del) as a pathogenic variant.

Medical Genetic Diagnosis and Therapy Center, Fujian Medical University
Classification: Pathogenic for Glycogen storage disease, type II. Last evaluated: 2025-10-27. Review status: criteria provided, single submitter. Criteria: ACMG Guidelines, 2015. Collection method: clinical testing. Allele origin: germline. Affected: yes.
Comment: P: PM3_VS+PM2+PM4+PS3_P+PM1_P. This variant has been reported in the following publication(s): [1] Shieh J J, Lin C Y. Frequent mutation in Chinese patients with infantile type of GSD II in Taiwan: evidence for a founder effect[J]. Human mutation, 1998, 11(4): 306-312. [2] Fu L, Qiu W, Yu Y, et al. Clinical and molecular genetic study of infantile-onset Pompe disease in Chinese patients: identification of 6 novel mutations[J]. Gene, 2014, 535(1): 53-59.

Labcorp Genetics (formerly Invitae), Labcorp
Classification: Pathogenic for Glycogen storage disease, type II. Last evaluated: 2025-04-18. Review status: criteria provided, single submitter. Criteria: Invitae Variant Classification Sherloc (09022015). Collection method: clinical testing. Allele origin: germline.
Comment: This variant, c.2024_2026del, results in the deletion of 1 amino acid(s) of the GAA protein (p.Asn675del), but otherwise preserves the integrity of the reading frame. This variant is present in population databases (rs773958269, gnomAD 0.01%). This variant has been observed in individuals with Pompe disease (PMID: 9554747, 10338092, 29046207). Algorithms developed to predict the effect of variants on gene product structure and function are not available or were not evaluated for this variant. Experimental studies have shown that this variant affects GAA function (PMID: 19862843). For these reasons, this variant has been classified as Pathogenic.

Baylor Genetics
Classification: Pathogenic for Glycogen storage disease, type II. Last evaluated: 2024-02-21. Review status: criteria provided, single submitter. Criteria: ACMG Guidelines, 2015. Collection method: clinical testing. Allele origin: unknown.

Women's Health and Genetics/Laboratory Corporation of America, LabCorp
Classification: Pathogenic for Glycogen storage disease, type II. Last evaluated: 2023-07-31. Review status: criteria provided, single submitter. Criteria: LabCorp Variant Classification Summary - May 2015. Collection method: clinical testing. Allele origin: germline.
Comment: Variant summary: GAA c.2024_2026delACA (p.Asn675del) results in an in-frame deletion that is predicted to remove one amino acid from the encoded protein. The variant allele was found at a frequency of 8.3e-06 in 241688 control chromosomes (i.e., 2 heterozygotes; gnomAD v2.1 Exomes dataset). The available data on variant occurrences in the general population are insufficient to allow any conclusion about variant significance. c.2024_2026delACA has been reported in the literature in multiple compound heterozygousindividuals affected with infantile-onset Glycogen Storage Disease, Type 2 (Pompe Disease) (e.g., Shieh_1998, Fu_2014, Chen_2017, Ngiwsara_2019). These data indicate that the variant is very likely to be associated with disease. The following publications have been ascertained in the context of this evaluation (PMID: 28394184, 24269976, 31510962, 9554747). Two submitters have cited clinical-significance assessments for this variant to ClinVar after 2014. All submitters classified the variant as pathogenic/likely pathogenic. Based on the evidence outlined above, the variant was classified as pathogenic.

Revvity Omics, Revvity
Classification: Likely pathogenic. Last evaluated: 2021-02-21. Review status: criteria provided, single submitter. Criteria: ACMG Guidelines, 2015. Collection method: clinical testing. Allele origin: germline.

Counsyl
Classification: Likely pathogenic for Glycogen storage disease, type II. Last evaluated: 2014-10-10. Review status: no assertion criteria provided. Collection method: literature only. Allele origin: unknown. Inheritance: Autosomal recessive inheritance. Not counted in ClinVar's aggregate classification.

Literature cited by the submitters: PubMed 39213226 (cited by Genomenon, Inc); PubMed 38715621 (cited by Genomenon, Inc); PubMed 37542277 (cited by Genomenon, Inc); PubMed 36137614 (cited by Genomenon, Inc); PubMed 32711049 (cited by Genomenon, Inc); PubMed 32014045 (cited by Genomenon, Inc); PubMed 31510962 (cited by Genomenon, Inc and Women's Health and Genetics/Laboratory Corporation of America, LabCorp); PubMed 28394184 (cited by Genomenon, Inc and Women's Health and Genetics/Laboratory Corporation of America, LabCorp); PubMed 16857770 (cited by Genomenon, Inc); PubMed 24269976 (cited by 3 submitters); PubMed 33073026 (cited by Genomenon, Inc); PubMed 19862843 (cited by 3 submitters); PubMed 9554747 (cited by 4 submitters); 24269976 (cited by Medical Genetic Diagnosis and Therapy Center, Fujian Medical University); PubMed 10338092 (cited by Labcorp Genetics (formerly Invitae), Labcorp and Counsyl); PubMed 29046207 (cited by Labcorp Genetics (formerly Invitae), Labcorp); PubMed 18458862 (cited by Counsyl); PubMed 20080426 (cited by Counsyl).

NM_000152.5(GAA):c.2021ACA[1] (p.Asn675del)

Gene: GAA (alpha glucosidase; plus strand). Cytogenetic location: 17q25.3.
Variant type: Microsatellite.
Coding change: c.2021ACA[1] on transcript NM_000152.5 (MANE Select); one copy of the 3-base unit ACA starting at c.2021; the reference has two copies in a row; one copy, 3 bases deleted; also written c.2024_2026del.
Protein change: p.Asn675del; deletes asparagine 675.
Molecular consequence: inframe deletion.
Genome position (GRCh38, 1-based): chr17:80,113,011-80,113,013, ACA deleted; deleting any 3 consecutive bases within chr17:80,113,008-80,113,013 gives the same sequence; the position shown is the placement nearest the transcript's 3' end. VCF-style (leftmost placement, unchanged base first): chr17-80113007-CACA-C. GRCh37 (hg19) VCF-style: chr17-78086806-CACA-C.
Other names: c.2024_2026del (NM_000152.5); c.2024_2026delACA (NM_000152.4); c.2021ACA[1], p.Asn675del (NM_001079803.3, NM_001079804.3); short protein forms N675del.
Identifiers: ClinVar variation 189006 (VCV000189006.18), dbSNP rs786204621, ClinGen allele CA274244.